The following is an entry in ClinVar:

NM_000122.2(ERCC3):c.1343-280C>T

Gene: ERCC3 (ERCC excision repair 3, TFIIH core complex helicase subunit; minus strand). Cytogenetic location: 2q14.3.
Variant type: single nucleotide variant.
Coding change: c.1343-280C>T on transcript NM_000122.2 (MANE Select); 280 bases into the intron before coding-DNA position 1343, C replaced by T.
Molecular consequence: intron variant.
Genome position (GRCh38, 1-based): chr2:127,280,911, G>A on the plus strand (C>T on the coding strand, the complement: ERCC3 is on the minus strand). VCF-style: chr2-127280911-G-A. GRCh37 (hg19) VCF-style: chr2-128038487-G-A.
Other names: c.1151-280C>T (NM_001303416.2, NM_001303418.2).
Identifiers: ClinVar variation 2651330 (VCV002651330.24), dbSNP rs980941148, ClinGen allele CA55332381.

ClinVar aggregate classification (germline): Likely benign (1 of 4 stars; one submission).

Allele frequency attached by ClinVar (database versions not stated): gnomAD exomes 0.00004; TOPMed 0.00005; gnomAD 0.00008.

Submission:

CeGaT Center for Human Genetics Tuebingen
Classification: Likely benign. Last evaluated: 2023-08-01. Review status: criteria provided, single submitter. Criteria: CeGaT Center For Human Genetics Tuebingen Variant Classification Criteria Version 2. Collection method: clinical testing. Allele origin: germline. Affected: yes. Observed: 3 variant alleles.
Comment: ERCC3: BP4, BP7